The following is an entry in ClinVar:

NM_002334.4(LRP4):c.446C>T (p.Ser149Phe)

Gene: LRP4 (LDL receptor related protein 4; minus strand). Cytogenetic location: 11p11.2.
Variant type: single nucleotide variant.
Coding change: c.446C>T on transcript NM_002334.4 (MANE Select); coding-DNA position 446, C replaced by T.
Protein change: p.Ser149Phe; replaces serine 149 with phenylalanine.
Molecular consequence: missense variant.
Genome position (GRCh38, 1-based): chr11:46,899,488, G>A on the plus strand (C>T on the coding strand, the complement: LRP4 is on the minus strand). VCF-style: chr11-46899488-G-A. GRCh37 (hg19) VCF-style: chr11-46921039-G-A.
Other names: short protein forms S149F.
Identifiers: ClinVar variation 939341 (VCV000939341.8), dbSNP rs1239578585, ClinGen allele CA380289668.
Genomic context (GRCh38, chr11:46,899,488, plus strand): 5'-CCGTCGCAGTACCAATGCTCAGCAATGCAGCTTCCGTCACTACAGCGGAACTCCTTGTCG[G>A]AGCACTTGCGCATGTCTGGGGGGATGCGATGGGACAGCAGTTCTGAGGGGGCCCCACAGG-3'
Protein context (NP_002325.2, residues 139-159): SDEQCDMRKC[Ser149Phe]DKEFRCSDGS

ClinVar aggregate classification (germline): Uncertain significance (1 of 4 stars; one submission).

Conditions:
Cenani-Lenz syndactyly syndrome. Also called: SYNDACTYLY, TYPE VII; CENANI SYNDACTYLISM. Identifiers: Orphanet 3258, MedGen C1859309, MONDO:0008931, OMIM 212780.
Sclerosteosis 2 (SOST2). Identifiers: Orphanet 3152, MedGen C3280402, MONDO:0013679, OMIM 614305.
Congenital myasthenic syndrome 17. Identifiers: Orphanet 590, MedGen C4225377, MONDO:0014578, OMIM 616304.

Allele frequency attached by ClinVar (database versions not stated): gnomAD exomes below 0.00001 and 0.00001; TOPMed below 0.00001.
gnomAD v4.1: 5 of 1,613,348 alleles (0.00031%); highest among the groups gnomAD compares: Admixed American, 0.0083%; no homozygotes.

Submission:

Labcorp Genetics (formerly Invitae), Labcorp
Classification: Uncertain significance for Cenani-Lenz syndactyly syndrome; Sclerosteosis 2; Congenital myasthenic syndrome 17. Last evaluated: 2025-08-18. Review status: criteria provided, single submitter. Criteria: Invitae Variant Classification Sherloc (09022015). Collection method: clinical testing. Allele origin: germline.
Comment: This sequence change replaces serine, which is neutral and polar, with phenylalanine, which is neutral and non-polar, at codon 149 of the LRP4 protein (p.Ser149Phe). This variant is present in population databases (no rsID available, gnomAD 0.006%). This variant has not been reported in the literature in individuals affected with LRP4-related conditions. ClinVar contains an entry for this variant (Variation ID: 939341). An algorithm developed to predict the effect of missense changes on protein structure and function (PolyPhen-2) suggests that this variant is likely to be tolerated. In summary, the available evidence is currently insufficient to determine the role of this variant in disease. Therefore, it has been classified as a Variant of Uncertain Significance.